The following is an entry in ClinVar:

NM_016203.4(PRKAG2):c.1273C>T (p.Leu425=)

Gene: PRKAG2 (protein kinase AMP-activated non-catalytic subunit gamma 2; minus strand). Cytogenetic location: 7q36.1.
Variant type: single nucleotide variant.
Coding change: c.1273C>T on transcript NM_016203.4 (MANE Select); coding-DNA position 1273, C replaced by T.
Protein change: p.Leu425=; no amino-acid change (leucine 425 retained).
Molecular consequence: synonymous variant.
Genome position (GRCh38, 1-based): chr7:151,565,846, G>A on the plus strand (C>T on the coding strand, the complement: PRKAG2 is on the minus strand). VCF-style: chr7-151565846-G-A. GRCh37 (hg19) VCF-style: chr7-151262932-G-A.
Other names: c.1141C>T, p.Leu381= (NM_001040633.2, NM_001407024.1); c.898C>T, p.Leu300= (NM_001304527.2, NM_001407029.1); c.550C>T, p.Leu184= (NM_001304531.2, NM_001407034.1, NM_001407035.1 and 1 more transcripts); c.901C>T, p.Leu301= (NM_001363698.2, NM_001407028.1); c.1273C>T, p.Leu425= (NM_001407021.1); c.1270C>T, p.Leu424= (NM_001407022.1, NM_001407023.1); c.1138C>T, p.Leu380= (NM_001407026.1, NM_001407027.1); c.985C>T, p.Leu329= (NM_001407030.1); and 6 more.
Identifiers: ClinVar variation 1766006 (VCV001766006.3), dbSNP rs2536297319, ClinGen allele CA458666810.

ClinVar aggregate classification (germline): Likely benign. Review status: criteria provided, multiple submitters, no conflicts (2 of 4 stars). 2 submissions from 2 submitters: Likely benign (2). Last evaluated 2023-04-10.

Conditions:
Cardiovascular phenotype. Identifiers: MedGen CN230736.
Hypertrophic cardiomyopathy. Also called: HYPERTROPHIC MYOCARDIOPATHY. Identifiers: Orphanet 217569, MedGen C0007194, MeSH D002312, MONDO:0005045, HP:0001639.

Submissions (2):

All of Us Research Program, National Institutes of Health
Classification: Likely benign for Hypertrophic cardiomyopathy. Last evaluated: 2023-04-10. Review status: criteria provided, single submitter. Criteria: ACMG Guidelines, 2015. Collection method: clinical testing. Allele origin: germline. Inheritance: Autosomal dominant inheritance. Observed: 1 variant allele, 1 heterozygote.
Comment: This study involves interpretation of variants in research participants for the purpose of population health screening. Participant phenotype was not available at the time of variant classification. Additional details can be found in publication PMID: 35346344, PMCID: PMC8962531

Ambry Genetics
Classification: Likely benign for Cardiovascular phenotype. Last evaluated: 2020-03-02. Review status: criteria provided, single submitter. Criteria: Ambry Variant Classification Scheme 2023. Collection method: clinical testing. Allele origin: germline.